The following is an entry in ClinVar:

ClinVar aggregate classification (germline): Uncertain significance. Review status: criteria provided, multiple submitters, no conflicts (2 of 4 stars). 2 submissions from 2 submitters: Uncertain significance (2). Last evaluated 2024-12-12.

Conditions:
Inborn genetic diseases. Identifiers: MedGen C0950123, MeSH D030342.

gnomAD v4.1: 2 of 1,614,028 alleles (0.00012%); highest among the groups gnomAD compares: Admixed American, 0.0017%; no homozygotes.

Submissions (2):

Ambry Genetics
Classification: Uncertain significance for Inborn genetic diseases. Last evaluated: 2024-12-12. Review status: criteria provided, single submitter. Criteria: Ambry Variant Classification Scheme 2023. Collection method: clinical testing. Allele origin: germline.
Comment: The p.R413Q variant (also known as c.1238G>A), located in coding exon 12 of the ASXL1 gene, results from a G to A substitution at nucleotide position 1238. The arginine at codon 413 is replaced by glutamine, an amino acid with highly similar properties. This amino acid position is conserved. In addition, this alteration is predicted to be tolerated by in silico analysis. Based on the available evidence, the clinical significance of this variant remains unclear.

Labcorp Genetics (formerly Invitae), Labcorp
Classification: Uncertain significance. Last evaluated: 2024-08-11. Review status: criteria provided, single submitter. Criteria: Invitae Variant Classification Sherloc (09022015). Collection method: clinical testing. Allele origin: germline.
Comment: This sequence change replaces arginine, which is basic and polar, with glutamine, which is neutral and polar, at codon 413 of the ASXL1 protein (p.Arg413Gln). This variant is not present in population databases (gnomAD no frequency). This variant has not been reported in the literature in individuals affected with ASXL1-related conditions. An algorithm developed to predict the effect of missense changes on protein structure and function (PolyPhen-2) suggests that this variant is likely to be disruptive. In summary, the available evidence is currently insufficient to determine the role of this variant in disease. Therefore, it has been classified as a Variant of Uncertain Significance.

NM_015338.6(ASXL1):c.1238G>A (p.Arg413Gln)

Gene: ASXL1 (ASXL transcriptional regulator 1; plus strand). Cytogenetic location: 20q11.21.
Variant type: single nucleotide variant.
Coding change: c.1238G>A on transcript NM_015338.6 (MANE Select); coding-DNA position 1238, G replaced by A.
Protein change: p.Arg413Gln; replaces arginine 413 with glutamine.
Molecular consequence: missense variant.
Genome position (GRCh38, 1-based): chr20:32,433,436, G>A. VCF-style: chr20-32433436-G-A. GRCh37 (hg19) VCF-style: chr20-31021239-G-A.
Other names: c.1055G>A, p.Arg352Gln (NM_001363734.1); short protein forms R352Q, R413Q.
Identifiers: ClinVar variation 3629129 (VCV003629129.3).